The following is an entry in ClinVar:

NM_020066.5(FMN2):c.3489C>T (p.Pro1163=)

Gene: FMN2 (formin 2; plus strand). Cytogenetic location: 1q43.
Variant type: single nucleotide variant.
Coding change: c.3489C>T on transcript NM_020066.5 (MANE Select); coding-DNA position 3489, C replaced by T.
Protein change: p.Pro1163=; no amino-acid change (proline 1163 retained).
Molecular consequence: synonymous variant. On other transcripts: intron variant (1).
Genome position (GRCh38, 1-based): chr1:240,208,301, C>T. VCF-style: chr1-240208301-C-T. GRCh37 (hg19) VCF-style: chr1-240371601-C-T.
Other names: c.3501C>T, p.Pro1167= (NM_001305424.2); c.1986+20039C>T (NM_001348094.2).
Identifiers: ClinVar variation 2640196 (VCV002640196.24), dbSNP rs757117383, ClinGen allele CA1477205.

ClinVar aggregate classification (germline): Likely benign (1 of 4 stars; one submission).

Allele frequency attached by ClinVar (database versions not stated): ExAC 0.00002.

Submission:

CeGaT Center for Human Genetics Tuebingen
Classification: Likely benign. Last evaluated: 2026-05-01. Review status: criteria provided, single submitter. Criteria: CeGaT Center For Human Genetics Tuebingen Variant Classification Criteria Version 2. Collection method: clinical testing. Allele origin: germline. Affected: yes. Observed: 5 variant alleles.
Comment: FMN2: BP4, BP7